The following is an entry in ClinVar:

NM_000439.5(PCSK1):c.260C>G (p.Thr87Ser)

Genes: CAST (calpastatin; plus strand), PCSK1 (proprotein convertase subtilisin/kexin type 1; minus strand), LOC101929710 (uncharacterized LOC101929710; plus strand). Cytogenetic location: 5q15.
Variant type: single nucleotide variant.
Coding change: c.260C>G on transcript NM_000439.5 (MANE Select); coding-DNA position 260, C replaced by G.
Protein change: p.Thr87Ser; replaces threonine 87 with serine.
Molecular consequence: missense variant. On other transcripts: intron variant (11).
Genome position (GRCh38, 1-based): chr5:96,429,238, G>C on the plus strand (C>G on the coding strand, the complement: PCSK1 is on the minus strand). VCF-style: chr5-96429238-G-C. GRCh37 (hg19) VCF-style: chr5-95764942-G-C.
Other names: c.119C>G, p.Thr40Ser (NM_001177875.2); c.-175+49586G>C (NM_001423254.1, NM_001423259.1, NM_001423255.1 and 6 more transcripts); c.-103+49586G>C (NM_001423253.1); c.-40+49586G>C (NM_001423258.1); short protein forms T87S, T40S.
Identifiers: ClinVar variation 4987243 (VCV004987243.1).

ClinVar aggregate classification (germline): Uncertain significance (1 of 4 stars; one submission).

Conditions:
PCSK1-related disorder. Also called: PCSK1-related condition.

Submission:

PreventionGenetics, part of Exact Sciences
Classification: Uncertain significance for PCSK1-related condition. Last evaluated: 2025-08-04. Review status: criteria provided, single submitter. Criteria: ACMG Guidelines, 2015. Collection method: clinical testing. Allele origin: germline.
Comment: The PCSK1 c.260C>G variant is predicted to result in the amino acid substitution p.Thr87Ser. To our knowledge, this variant has not been reported in the literature or in gnomAD, indicating this variant is rare. At this time, the clinical significance of this variant is uncertain due to the absence of conclusive functional and genetic evidence.